The following is an entry in ClinVar:

ClinVar aggregate classification (germline): Likely pathogenic (1 of 4 stars; one submission).

Conditions:
Hypertrophic cardiomyopathy. Also called: HYPERTROPHIC MYOCARDIOPATHY. Identifiers: Orphanet 217569, MedGen C0007194, MeSH D002312, MONDO:0005045, HP:0001639.

Submission:

All of Us Research Program, National Institutes of Health
Classification: Likely pathogenic for Hypertrophic cardiomyopathy. Last evaluated: 2024-08-05. Review status: criteria provided, single submitter. Criteria: ACMG Guidelines, 2015. Collection method: clinical testing. Allele origin: germline. Inheritance: Autosomal dominant inheritance. Observed: 1 variant allele, 1 heterozygote.
Comment: The c.2195_2197delinsCGGG (p.Asp732Alafs*15) variant in the exon 23 of MYBPC3 gene, that encodes for myosin binding protein C3, creates a premature termination codon that is predicted to lead to an absent or truncated protein product. This variant has not been reported in individuals with MYBPC3-related conditions. Loss-of-function variants in MYBPC3 gene are known to be pathogenic for MYBPC3 (PMID:22820391, 23816408, 32973354, 19574547, 7493025). Loss of function variants downstream of this variant are reported in individuals with hypertrophic cardiomyopathy (PMID: 28640247, 33495597, 32841044, 16754800, 27600940, 9048664, 12707239, 18957093, 21088121) and interpreted as pathogenic by several ClinVar submitters (ClinVar ID:181077, 518947, 42610). This variant was found to be absent in the general population database (gnomAD). Therefore, c.2195_2197delinsCGGG (p.Asp732Alafs*15) variant in MYBPC3 gene is classified as likely pathogenic.

This study involves interpretation of variants in research participants for the purpose of population health screening. Participant phenotype was not available at the time of variant classification. Additional details can be found in publication PMID: 35346344, PMCID: PMC8962531

Literature cited by the submitters: PubMed 7493025; PubMed 9048664; PubMed 12707239; PubMed 16754800; PubMed 18957093; PubMed 19574547; PubMed 21088121; PubMed 22820391; PubMed 23816408; PubMed 27600940; PubMed 28640247; PubMed 32841044; PubMed 32973354; PubMed 33495597.

NM_000256.3(MYBPC3):c.2195_2197delinsCGGG (p.Asp732fs)

Gene: MYBPC3 (myosin binding protein C3; minus strand). Cytogenetic location: 11p11.2.
Variant type: Indel.
Coding change: c.2195_2197delinsCGGG on transcript NM_000256.3 (MANE Select); coding-DNA positions 2195 to 2197, ACC replaced by CGGG.
Protein change: p.Asp732fs; shifts the reading frame from aspartic acid 732.
Molecular consequence: frameshift variant.
Genome position (GRCh38, 1-based): chr11:47,338,631-47,338,633, GGT replaced by CCCG on the plus strand (ACC replaced by CGGG on the coding strand, the reverse complement: MYBPC3 is on the minus strand). VCF-style: chr11-47338631-GGT-CCCG. GRCh37 (hg19) VCF-style: chr11-47360182-GGT-CCCG.
Other names: short protein forms D732fs.
Identifiers: ClinVar variation 3387118 (VCV003387118.1).